The following is an entry in ClinVar:

NM_201384.3(PLEC):c.7278G>T (p.Glu2426Asp)

Gene: PLEC (plectin; minus strand). Cytogenetic location: 8q24.3.
Variant type: single nucleotide variant.
Coding change: c.7278G>T on transcript NM_201384.3 (MANE Select); coding-DNA position 7278, G replaced by T.
Protein change: p.Glu2426Asp; replaces glutamic acid 2426 with aspartic acid.
Molecular consequence: missense variant.
Genome position (GRCh38, 1-based): chr8:143,922,651, C>A on the plus strand (G>T on the coding strand, the complement: PLEC is on the minus strand). VCF-style: chr8-143922651-C-A. GRCh37 (hg19) VCF-style: chr8-144996819-C-A.
Other names: c.7359G>T, p.Glu2453Asp (NM_000445.5); c.7236G>T, p.Glu2412Asp (NM_201378.4); c.7212G>T, p.Glu2404Asp (NM_201379.3); c.7689G>T, p.Glu2563Asp (NM_201380.4); c.7182G>T, p.Glu2394Asp (NM_201381.3); c.7278G>T, p.Glu2426Asp (NM_201382.4); c.7290G>T, p.Glu2430Asp (NM_201383.3); short protein forms E2426D, E2563D, E2404D, E2412D, E2453D, E2394D, E2430D.
Identifiers: ClinVar variation 471641 (VCV000471641.5), dbSNP rs1554690114, ClinGen allele CA372528293.

ClinVar aggregate classification (germline): Uncertain significance (1 of 4 stars; one submission).

Conditions:
Epidermolysis bullosa simplex with nail dystrophy (EBS5D). Identifiers: MedGen C4225309, MONDO:0014661, OMIM 616487.
Epidermolysis bullosa simplex, Ogna type (EBS5A). Also called: Pidermolysis bullosa simplex 5A, Ogna type; EPIDERMOLYSIS BULLOSA SIMPLEX 5A, OGNA TYPE. Identifiers: Orphanet 79401, MedGen C0432317, MONDO:0007555, OMIM 131950.
Autosomal recessive limb-girdle muscular dystrophy type 2Q (LGMDR17). Also called: MUSCULAR DYSTROPHY, LIMB-GIRDLE, AUTOSOMAL RECESSIVE 17. Identifiers: Orphanet 254361, MedGen C3150989, MONDO:0013390, OMIM 613723.
Epidermolysis bullosa simplex 5C, with pyloric atresia (EBS5C). Also called: PLEC-Related Epidermolysis Bullosa with Pyloric Atresia; Epidermolysis bullosa simplex with pyloric atresia; PLEC1-Related Epidermolysis Bullosa with Pyloric Atresia. Identifiers: Orphanet 158684, MedGen C2677349, MONDO:0012807, OMIM 612138.
Epidermolysis bullosa simplex 5B, with muscular dystrophy (EBS5B). Also called: EPIDERMOLYSIS BULLOSA SIMPLEX AND LIMB-GIRDLE MUSCULAR DYSTROPHY; Epidermolysis bullosa simplex with muscular dystrophy. Identifiers: Orphanet 257, MedGen C2931072, MONDO:0009181, OMIM 226670.

Submission:

Labcorp Genetics (formerly Invitae), Labcorp
Classification: Uncertain significance for Autosomal recessive limb-girdle muscular dystrophy type 2Q; Epidermolysis bullosa simplex, Ogna type; Epidermolysis bullosa simplex with nail dystrophy; Epidermolysis bullosa simplex 5C, with pyloric atresia; Epidermolysis bullosa simplex 5B, with muscular dystrophy. Last evaluated: 2017-07-31. Review status: criteria provided, single submitter. Criteria: Invitae Variant Classification Sherloc (09022015). Collection method: clinical testing. Allele origin: germline.
Comment: This sequence change replaces glutamic acid with aspartic acid at codon 2453 of the PLEC protein (p.Glu2453Asp). The glutamic acid residue is highly conserved and there is a small physicochemical difference between glutamic acid and aspartic acid. This variant is not present in population databases (ExAC no frequency). This variant has not been reported in the literature in individuals with PLEC-related disease. Algorithms developed to predict the effect of missense changes on protein structure and function do not agree on the potential impact of this missense change (SIFT: "Tolerated"; PolyPhen-2: "Probably Damaging"; Align-GVGD: "Class C0"). In summary, the available evidence is currently insufficient to determine the role of this variant in disease. Therefore, it has been classified as a Variant of Uncertain Significance.